The following is an entry in ClinVar:

NM_001105206.3(LAMA4):c.3599G>A (p.Gly1200Glu)

Gene: LAMA4 (laminin subunit alpha 4; minus strand). Cytogenetic location: 6q21.
Variant type: single nucleotide variant.
Coding change: c.3599G>A on transcript NM_001105206.3 (MANE Select); coding-DNA position 3599, G replaced by A.
Protein change: p.Gly1200Glu; replaces glycine 1200 with glutamic acid.
Molecular consequence: missense variant.
Genome position (GRCh38, 1-based): chr6:112,133,446, C>T on the plus strand (G>A on the coding strand, the complement: LAMA4 is on the minus strand). VCF-style: chr6-112133446-C-T. GRCh37 (hg19) VCF-style: chr6-112454648-C-T.
Other names: c.3578G>A, p.Gly1193Glu (NM_001105207.3, NM_002290.5); short protein forms G1193E, G1200E.
Identifiers: ClinVar variation 1732844 (VCV001732844.2), dbSNP rs2547005323, ClinGen allele CA365375648.

ClinVar aggregate classification (germline): Uncertain significance (1 of 4 stars; one submission).

Conditions:
Cardiovascular phenotype. Identifiers: MedGen CN230736.

Submission:

Ambry Genetics
Classification: Uncertain significance for Cardiovascular phenotype. Last evaluated: 2019-11-13. Review status: criteria provided, single submitter. Criteria: Ambry Variant Classification Scheme 2023. Collection method: clinical testing. Allele origin: germline.
Comment: The p.G1193E variant (also known as c.3578G>A), located in coding exon 26 of the LAMA4 gene, results from a G to A substitution at nucleotide position 3578. The glycine at codon 1193 is replaced by glutamic acid, an amino acid with similar properties. This amino acid position is highly conserved in available vertebrate species. In addition, this alteration is predicted to be deleterious by in silico analysis. Since supporting evidence is limited at this time, the clinical significance of this alteration remains unclear.